The following is an entry in ClinVar:

ClinVar aggregate classification (germline): Uncertain significance (1 of 4 stars; one submission).

Conditions:
3-methylglutaconic aciduria, type VIIB (MGCA7B). Also called: CLPB Deficiency; 3-methylglutaconic aciduria, type VII, with cataracts, neurologic involvement and neutropenia; 3-methylglutaconic aciduria with cataracts, neurologic involvement and neutropenia. Identifiers: Orphanet 445038, MedGen C5676893, MONDO:0014561, OMIM 616271.

gnomAD v4.1: 4 of 1,614,000 alleles (0.00025%); highest among the groups gnomAD compares: Middle Eastern, 0.049%; no homozygotes.

Submission:

Labcorp Genetics (formerly Invitae), Labcorp
Classification: Uncertain significance for 3-methylglutaconic aciduria, type VIIB. Last evaluated: 2025-09-10. Review status: criteria provided, single submitter. Criteria: Invitae Variant Classification Sherloc (09022015). Collection method: clinical testing. Allele origin: germline.
Comment: This sequence change replaces arginine, which is basic and polar, with leucine, which is neutral and non-polar, at codon 674 of the CLPB protein (p.Arg674Leu). This variant is present in population databases (no rsID available, gnomAD 0.007%). This variant has not been reported in the literature in individuals affected with CLPB-related conditions. An algorithm developed to predict the effect of missense changes on protein structure and function (PolyPhen-2) suggests that this variant is likely to be tolerated. In summary, the available evidence is currently insufficient to determine the role of this variant in disease. Therefore, it has been classified as a Variant of Uncertain Significance.

NM_001258392.3(CLPB):c.1931G>T (p.Arg644Leu)

Gene: CLPB (ClpB family mitochondrial disaggregase; minus strand). Cytogenetic location: 11q13.4.
Variant type: single nucleotide variant.
Coding change: c.1931G>T on transcript NM_001258392.3 (MANE Select); coding-DNA position 1931, G replaced by T.
Protein change: p.Arg644Leu; replaces arginine 644 with leucine.
Molecular consequence: missense variant.
Genome position (GRCh38, 1-based): chr11:72,293,470, C>A on the plus strand (G>T on the coding strand, the complement: CLPB is on the minus strand). VCF-style: chr11-72293470-C-A. GRCh37 (hg19) VCF-style: chr11-72004514-C-A.
Other names: c.1844G>T, p.Arg615Leu (NM_001258393.3); c.1886G>T, p.Arg629Leu (NM_001258394.3); c.2021G>T, p.Arg674Leu (NM_030813.6); short protein forms R629L, R615L, R644L, R674L.
Identifiers: ClinVar variation 4705196 (VCV004705196.1).